The following is an entry in ClinVar:

NC_000002.11:g.(?_167119087)_(167129240_?)del

Gene: SCN9A (sodium voltage-gated channel alpha subunit 9; minus strand). Cytogenetic location: 2q24.3.
Variant type: Deletion.
Identifiers: ClinVar variation 2424586 (VCV002424586.4).

ClinVar aggregate classification (germline): Likely pathogenic (1 of 4 stars; one submission).

Conditions:
Generalized epilepsy with febrile seizures plus, type 7 (GEFSP7). Also called: GEFS+, TYPE 7. Identifiers: Orphanet 36387, MedGen C2751778, MONDO:0013470, OMIM 613863.
Neuropathy, hereditary sensory and autonomic, type 2A (HSAN2A). Also called: MORVAN DISEASE; NEUROPATHY, CONGENITAL SENSORY; NEUROPATHY, HEREDITARY SENSORY RADICULAR, AUTOSOMAL RECESSIVE; NEUROPATHY, HEREDITARY SENSORY, TYPE IIA; NEUROPATHY, PROGRESSIVE SENSORY, OF CHILDREN; HSAN IIA. Identifiers: Orphanet 970, MedGen C2752089, MONDO:0024309, OMIM 201300.

Submission:

Labcorp Genetics (formerly Invitae), Labcorp
Classification: Likely pathogenic for Neuropathy, hereditary sensory and autonomic, type 2A; Generalized epilepsy with febrile seizures plus, type 7. Last evaluated: 2022-03-31. Review status: criteria provided, single submitter. Criteria: Invitae Variant Classification Sherloc (09022015). Collection method: clinical testing. Allele origin: germline.
Comment: In summary, the currently available evidence indicates that the variant is pathogenic, but additional data are needed to prove that conclusively. Therefore, this variant has been classified as Likely Pathogenic. Experimental studies and prediction algorithms are not available or were not evaluated, and the effect of this variant on mRNA splicing is currently unknown. This variant has not been reported in the literature in individuals affected with SCN9A-related conditions. This variant results in the deletion of part of exon 17 (c.2987_3318+9822del) of the SCN9A gene. It is expected to disrupt RNA splicing. Variants that disrupt the donor or acceptor splice site typically lead to a loss of protein function (PMID: 16199547), and loss-of-function variants in SCN9A are known to be pathogenic (PMID: 17470132, 19304393).

Literature cited by the submitters: PubMed 16199547; PubMed 17470132; PubMed 19304393.